The following is an entry in ClinVar:

NM_213599.3(ANO5):c.1418_1421delinsGGACGACACCAGTGACGA (p.Val473fs)

Gene: ANO5 (anoctamin 5; plus strand). Cytogenetic location: 11p14.3.
Variant type: Indel.
Coding change: c.1418_1421delinsGGACGACACCAGTGACGA on transcript NM_213599.3 (MANE Select); coding-DNA positions 1418 to 1421, TCGT replaced by GGACGACACCAGTGACGA.
Protein change: p.Val473fs; shifts the reading frame from valine 473.
Molecular consequence: frameshift variant.
Genome position (GRCh38, 1-based): chr11:22,259,529-22,259,532, TCGT replaced by GGACGACACCAGTGACGA. VCF-style: chr11-22259529-TCGT-GGACGACACCAGTGACGA. GRCh37 (hg19) VCF-style: chr11-22281075-TCGT-GGACGACACCAGTGACGA.
Other names: c.1415_1418delinsGGACGACACCAGTGACGA, p.Val472fs (NM_001142649.2); c.1376_1379delinsGGACGACACCAGTGACGA, p.Val459fs (NM_001410963.1); c.1373_1376delinsGGACGACACCAGTGACGA, p.Val458fs (NM_001410964.1); short protein forms V458fs, V459fs, V472fs, V473fs.
Identifiers: ClinVar variation 3383173 (VCV003383173.2).

ClinVar aggregate classification (germline): Likely pathogenic (1 of 4 stars; one submission).

Conditions:
Miyoshi muscular dystrophy 3 (MMD3). Also called: Miyoshi Muscular Dystrophy 3 (MMD3); Miyoshi myopathy 3. Identifiers: Orphanet 399096, MedGen C2750076, MONDO:0013222, OMIM 613319.
Autosomal recessive limb-girdle muscular dystrophy type 2L (LGMDR12). Also called: Limb-girdle muscular dystrophy, type 2L; MUSCULAR DYSTROPHY, LIMB-GIRDLE, AUTOSOMAL RECESSIVE 12; Limb-Girdle Muscular Dystrophy R12 Anoctamin-5-Related (LGMD-R12). Identifiers: Orphanet 206549, MedGen C1969785, MONDO:0012652, OMIM 611307.

Submission:

Juno Genomics, Hangzhou Juno Genomics, Inc
Classification: Likely pathogenic for Miyoshi muscular dystrophy 3; Autosomal recessive limb-girdle muscular dystrophy type 2L. Review status: criteria provided, single submitter. Criteria: ACMG Guidelines, 2015. Collection method: clinical testing. Allele origin: germline. Affected: yes.
Comment: Absent from controls (or at extremely low frequency if recessive) in Genome Aggregation Database, Exome Sequencing Project, 1000 Genomes Project, or Exome Aggregation Consortium.;Null variant in a gene where loss of function (LOF) is a known mechanism of disease.